The following is an entry in ClinVar:

NM_005228.5(EGFR):c.3271+29C>A

Gene: EGFR (epidermal growth factor receptor; plus strand). Cytogenetic location: 7p11.2.
Variant type: single nucleotide variant.
Coding change: c.3271+29C>A on transcript NM_005228.5 (MANE Select); 29 bases into the intron after coding-DNA position 3271, C replaced by A.
Molecular consequence: intron variant. On other transcripts: nonsense (2).
Genome position (GRCh38, 1-based): chr7:55,202,654, C>A. VCF-style: chr7-55202654-C-A. GRCh37 (hg19) VCF-style: chr7-55270347-C-A.
Other names: c.3165C>A, p.Cys1055Ter (NM_001346897.2); c.3300C>A, p.Cys1100Ter (NM_001346898.2); c.3136+29C>A (NM_001346899.2); c.2470+29C>A (NM_001346941.2); c.3112+29C>A (NM_001346900.2); short protein forms C1055*, C1100*.
Identifiers: ClinVar variation 1690771 (VCV001690771.2), dbSNP rs571613855, ClinGen allele CA4266345.

ClinVar aggregate classification (germline): Uncertain significance (1 of 4 stars; one submission).

gnomAD v4.1: 16 of 1,573,786 alleles (0.001%); highest among the groups gnomAD compares: Admixed American, 0.0018%; no homozygotes.

Submission:

Laboratorio de Genetica e Diagnostico Molecular, Hospital Israelita Albert Einstein
Classification: Uncertain significance. Last evaluated: 2020-01-05. Review status: criteria provided, single submitter. Criteria: ACMG Guidelines, 2015. Collection method: clinical testing. Allele origin: germline. Affected: yes.
Comment: ACMG classification criteria: PVS1, PM2